The following is an entry in ClinVar:

NM_001267550.2(TTN):c.7846dup (p.Thr2616fs)

Gene: TTN (titin; minus strand). Cytogenetic location: 2q31.2.
Variant type: Duplication.
Coding change: c.7846dup on transcript NM_001267550.2 (MANE Select); coding-DNA position 7846, one base duplicated (A; older notation c.7846dupA).
Protein change: p.Thr2616fs; shifts the reading frame from threonine 2616.
Molecular consequence: frameshift variant.
Genome position (GRCh38, 1-based): chr2:178,773,118, T duplicated on the plus strand (A on the coding strand, the reverse complement: TTN is on the minus strand). VCF-style (leftmost placement, unchanged base first): chr2-178773117-G-GT. GRCh37 (hg19) VCF-style: chr2-179637844-G-GT.
Other names: c.7846dup, p.Thr2616fs (NM_001256850.1, NM_133378.4, NM_133379.5); c.7708dup, p.Thr2570fs (NM_003319.4, NM_133432.3, NM_133437.4); short protein forms T2570fs, T2616fs.
Identifiers: ClinVar variation 1482342 (VCV001482342.8), dbSNP rs2154344443, ClinGen allele CA2573133958.
Genomic context (GRCh38, chr2:178,773,117, plus strand): 5'-CTTAAAATAACAATCACTCCTCGTAAGAATTTAGGTTAATAAATATACCAACCTGCCACA[G>GT]TAAGTTTTCCAGATGTCATATTTTCTCCCGCGTAAAATGTGTATTTTCCTTCATCATCTT-3'

ClinVar aggregate classification (germline): Likely pathogenic (1 of 4 stars; one submission).

Conditions:
Dilated cardiomyopathy 1G (CMD1G). Identifiers: Orphanet 154, MedGen C1858763, MONDO:0011400, OMIM 604145.
Autosomal recessive limb-girdle muscular dystrophy type 2J (LGMDR10). Also called: Limb-girdle muscular dystrophy, type 2J; MUSCULAR DYSTROPHY, LIMB-GIRDLE, AUTOSOMAL RECESSIVE 10. Identifiers: Orphanet 140922, MedGen C1837342, MONDO:0012127, OMIM 608807.

Submission:

Labcorp Genetics (formerly Invitae), Labcorp
Classification: Likely pathogenic for Dilated cardiomyopathy 1G; Autosomal recessive limb-girdle muscular dystrophy type 2J. Last evaluated: 2025-01-20. Review status: criteria provided, single submitter. Criteria: Invitae Variant Classification Sherloc (09022015). Collection method: clinical testing. Allele origin: germline.
Comment: This sequence change creates a premature translational stop signal (p.Thr2616Asnfs*18) in the TTN gene. While this is not anticipated to result in nonsense mediated decay, it is expected to create a truncated TTN protein. This variant is not present in population databases (gnomAD no frequency). This variant has not been reported in the literature in individuals affected with TTN-related conditions. ClinVar contains an entry for this variant (Variation ID: 1482342). This variant is located in the I band of TTN (PMID: 25589632). Truncating variants in this region have been reported in individuals affected with autosomal recessive centronuclear myopathy (PMID: 23975875, internal data). Truncating variants in this region have also been identified in individuals affected with autosomal dominant dilated cardiomyopathy and/or cardio-related conditions (PMID: 27869827, 32964742, internal data). In summary, the currently available evidence indicates that the variant is pathogenic, but additional data are needed to prove that conclusively. Therefore, this variant has been classified as Likely Pathogenic.

Literature cited by the submitters: PubMed 25589632; PubMed 23975875; PubMed 27869827; PubMed 32964742.